The following is an entry in ClinVar:

NM_002667.5(PLN):c.143_158delinsGC (p.Ile48fs)

Genes: CEP85L (centrosomal protein 85L; minus strand), PLN (phospholamban; plus strand). Cytogenetic location: 6q22.31.
Variant type: Indel.
Coding change: c.143_158delinsGC on transcript NM_002667.5 (MANE Select); coding-DNA positions 143 to 158, TCGTGATGCTTCTCTG replaced by GC.
Protein change: p.Ile48fs; shifts the reading frame from isoleucine 48.
Molecular consequence: frameshift variant. On other transcripts: intron variant (3).
Genome position (GRCh38, 1-based): chr6:118,559,064-118,559,079, TCGTGATGCTTCTCTG replaced by GC. VCF-style: chr6-118559064-TCGTGATGCTTCTCTG-GC. GRCh37 (hg19) VCF-style: chr6-118880227-TCGTGATGCTTCTCTG-GC.
Other names: c.143_158delTCGTGATGCTTCTCTGinsGC (NM_002667.3); c.1029+6450_1029+6465delinsGC (NM_001178035.2); c.1020+6450_1020+6465delinsGC (NM_001042475.3, NM_206921.3); c.143_158delinsGC (NM_002667.4); short protein forms I48fs.
Identifiers: ClinVar variation 423174 (VCV000423174.30), dbSNP rs1064796276, ClinGen allele CA16618234.

ClinVar aggregate classification (germline): Uncertain significance. Review status: criteria provided, multiple submitters, no conflicts (2 of 4 stars). 3 submissions from 3 submitters: Uncertain significance (3). Last evaluated 2025-07-24.

Conditions:
Cardiovascular phenotype. Identifiers: MedGen CN230736.

Submissions (3):

Molecular Diagnostic Laboratory for Inherited Cardiovascular Disease, Montreal Heart Institute
Classification: Uncertain significance for Cardiovascular phenotype. Last evaluated: 2025-07-24. Review status: criteria provided, single submitter. Criteria: ACMG Guidelines, 2015. Collection method: clinical testing. Allele origin: germline. Affected: yes.
Comment: PVS1_mod, PM2

CeGaT Center for Human Genetics Tuebingen
Classification: Uncertain significance. Last evaluated: 2023-05-01. Review status: criteria provided, single submitter. Criteria: CeGaT Center For Human Genetics Tuebingen Variant Classification Criteria Version 2. Collection method: clinical testing. Allele origin: germline. Affected: yes. Observed: 1 variant allele.
Comment: PLN: PM2, PVS1:Moderate, PS4:Supporting

GeneDx
Classification: Uncertain significance. Last evaluated: 2017-01-18. Review status: criteria provided, single submitter. Criteria: GeneDx Variant Classification (06012015). Collection method: clinical testing. Allele origin: germline. Affected: yes.
Comment: A variant of uncertain significance has been identified in the PLN gene. The c.143_158del16insGC variant has notbeen published as pathogenic or reported as benign to our knowledge and it was not observed in approximately 6500individuals of European and African American ancestry in the NHLBI Exome Sequencing Project, indicating it is nota common benign variant in these populations. This variant causes a shift in reading frame starting at codonIsoleucine 48, changing it to a Serine, and creates a premature stop codon at position 8 of the new reading frame,thereby replacing the last 5 amino acids of PLN with 7 incorrect amino acids, denoted p.Ile48SerfsX8 (I48SfsX8).The amino acids affected by this variant are well conserved across species and in silico analysis predicts this variant isprobably damaging to the protein structure/function. Nevertheless, no frameshift variants in nearby residues have beenreported in the Human Gene Mutation Database in association with cardiomyopathy (Stenson et al., 2014),suggesting that this region is not a known mutational hot-spot" or well-established domain in the PLN gene.Therefore, based on the currently available information, it is unclear whether this variant is pathogenic or rare benign."